The following is an entry in ClinVar:

NM_003482.4(KMT2D):c.13091del (p.Gln4364fs)

Gene: KMT2D (lysine methyltransferase 2D; minus strand). Cytogenetic location: 12q13.12.
Variant type: Deletion.
Coding change: c.13091del on transcript NM_003482.4 (MANE Select); coding-DNA position 13091, one base deleted (A; older notation c.13091delA).
Protein change: p.Gln4364fs; shifts the reading frame from glutamine 4364.
Molecular consequence: frameshift variant.
Genome position (GRCh38, 1-based): chr12:49,031,614, T deleted on the plus strand (A on the coding strand, the reverse complement: KMT2D is on the minus strand). VCF-style (leftmost placement, unchanged base first): chr12-49031613-CT-C. GRCh37 (hg19) VCF-style: chr12-49425396-CT-C.
Other names: short protein forms Q4364fs.
Identifiers: ClinVar variation 2101560 (VCV002101560.4), dbSNP rs2498352421, ClinGen allele CA2580085605.

ClinVar aggregate classification (germline): Pathogenic (1 of 4 stars; one submission).

Conditions:
Kabuki syndrome. Also called: Kabuki make-up syndrome; NIIKAWA-KUROKI SYNDROME. Identifiers: Orphanet 2322, MedGen C0796004, MONDO:0016512.

Submission:

Labcorp Genetics (formerly Invitae), Labcorp
Classification: Pathogenic for Kabuki syndrome. Last evaluated: 2022-02-22. Review status: criteria provided, single submitter. Criteria: Invitae Variant Classification Sherloc (09022015). Collection method: clinical testing. Allele origin: germline.
Comment: For these reasons, this variant has been classified as Pathogenic. This variant has not been reported in the literature in individuals affected with KMT2D-related conditions. This variant is not present in population databases (gnomAD no frequency). This sequence change creates a premature translational stop signal (p.Gln4364Argfs*20) in the KMT2D gene. It is expected to result in an absent or disrupted protein product. Loss-of-function variants in KMT2D are known to be pathogenic (PMID: 22126750).

Literature cited by the submitters: PubMed 22126750.